The following is an entry in ClinVar:

ClinVar aggregate classification (germline): Likely benign (0 of 4 stars; one submission).

Conditions:
TDRD6-related disorder. Also called: TDRD6-related condition.

Allele frequency attached by ClinVar (database versions not stated): 1000 Genomes Project 30x 0.00047; 1000 Genomes Project 0.00060; ExAC 0.00105; gnomAD 0.00144; TOPMed 0.00155; gnomAD exomes 0.00203; ESP Exome Variant Server 0.00208.

Submission:

PreventionGenetics, part of Exact Sciences
Classification: Likely benign for TDRD6-related condition. Last evaluated: 2023-01-31. Review status: no assertion criteria provided. Collection method: clinical testing. Allele origin: germline.
Comment: This variant is classified as likely benign based on ACMG/AMP sequence variant interpretation guidelines (Richards et al. 2015 PMID: 25741868, with internal and published modifications).

NM_001010870.3(TDRD6):c.1857T>G (p.Phe619Leu)

Gene: TDRD6 (tudor domain containing 6; plus strand). Cytogenetic location: 6p12.3.
Variant type: single nucleotide variant.
Coding change: c.1857T>G on transcript NM_001010870.3 (MANE Select); coding-DNA position 1857, T replaced by G.
Protein change: p.Phe619Leu; replaces phenylalanine 619 with leucine.
Molecular consequence: missense variant.
Genome position (GRCh38, 1-based): chr6:46,689,985, T>G. VCF-style: chr6-46689985-T-G. GRCh37 (hg19) VCF-style: chr6-46657722-T-G.
Other names: c.1857T>G, p.Phe619Leu (NM_001168359.2); short protein forms F619L.
Identifiers: ClinVar variation 3050329 (VCV003050329.2), dbSNP rs151229253, ClinGen allele CA3839038.
Genomic context (GRCh38, chr6:46,689,985, plus strand): 5'-GTGCACCCTGGCTGATATTTGGCCTTTGGGAAAAACTTGGAGCCAGGAGGCAGTTTCCTT[T>G]TTTAAAAAGACTGTGCTCCACAAAGAATTAGTCATCCATATTCTTGATAAACAGGATCAT-3'
Protein context (NP_001010870.1, residues 609-629): GKTWSQEAVS[Phe619Leu]FKKTVLHKEL